The following is an entry in ClinVar:

ClinVar aggregate classification (germline): Likely pathogenic. Review status: criteria provided, multiple submitters, no conflicts (2 of 4 stars). 4 submissions from 4 submitters: Likely pathogenic (3). 1 of the submissions does not count toward it. Last evaluated 2025-09-04.

Conditions:
Hematuria, benign familial, 1 (BFH1). Also called: THIN MEMBRANE NEPHROPATHY. Identifiers: MedGen CN376803, MONDO:0007709, OMIM 141200.
Alport syndrome. Also called: Hemorrhagic familial nephritis; Hemorrhagic hereditary nephritis; Congenital hereditary hematuria. Identifiers: Orphanet 63, MedGen C1567741, MONDO:0018965.

Allele frequency attached by ClinVar (database versions not stated): gnomAD exomes below 0.00001; gnomAD 0.00001; ExAC 0.00002.
gnomAD v4.1: 4 of 1,611,416 alleles (0.00025%); highest among the groups gnomAD compares: Non-Finnish European, 0.000085%; no homozygotes.

Submissions (4):

Natera, Inc.
Classification: Likely pathogenic for Alport syndrome. Last evaluated: 2025-09-04. Review status: criteria provided, single submitter. Criteria: Natera Variant Classification Schema (03/2026). Collection method: clinical testing. Allele origin: germline.
Comment: The c.871-6T>C variant in COL4A4 is an intronic variant located outside the canonical splice sites. This variant is rare in the general population with a frequency below the threshold expected for the associated phenotype(s). This variant has been observed in one or more individuals affected with the associated recessive disease, as either homozygous or compound heterozygous with a second variant (PMID: 37895203). This variant has been observed in affected individual(s) with monoallelic occurrence (heterozygous/hemizygous) (PMID: 37895203). Computational prediction algorithms indicate this variant is likely to affect gene or protein function. Given the available evidence, this variant is classified as Likely Pathogenic.

Myriad Genetics, Inc.
Classification: Likely pathogenic for Alport syndrome. Last evaluated: 2025-02-28. Review status: criteria provided, single submitter. Criteria: Myriad Autosomal Dominant, Autosomal Recessive and X-Linked Classification Criteria (2023). Collection method: clinical testing. Allele origin: unknown.
Comment: NM_000092.4(COL4A4):c.871-6T>C an intronic variant classified as likely pathogenic in the context of Alport syndrome, COL4A4-related. c.871-6T>C has been observed in cases with relevant disease (PMID: 37895203). Relevant functional assessments of this variant are not available in the literature. c.871-6T>C has been observed in referenced population frequency databases. In summary, NM_000092.4(COL4A4):c.871-6T>C is an intronic variant that has been observed more frequently in cases with the relevant disease than in healthy populations. Please note: this variant was assessed in the context of healthy population screening.

Genomics, Clalit Research Institute, Clalit Health Care
Classification: Likely pathogenic for Hematuria, benign familial, 1. Last evaluated: 2024-04-10. Review status: criteria provided, single submitter. Criteria: ACMG Guidelines, 2015. Collection method: clinical testing. Allele origin: germline. Inheritance: Autosomal dominant inheritance. Affected: yes. Observed: 1 heterozygote.
Comment: Frequency: The variant is rare, observed in 1 alleles out of 248,844 (0%) in the gnomAD reference population dataset (PM2_Support). Frequency among cases: This variant was previusly described in the literature as a founder variant among the Bukharian Jews sub poplution (37895203) (PS4, PP1). Prediction tools: Splicing tools yield conflicting predictions of the impact of the variant on the gene or gene product. Clinical evidence: This variant has previously been described in ClinVar (VCV1002812) with the following classifications: LB (1) / VUS (1).

Labcorp Genetics (formerly Invitae), Labcorp
Classification: Likely benign. Last evaluated: 2022-09-16. Review status: flagged submission. Criteria: Invitae Variant Classification Sherloc (09022015). Collection method: clinical testing. Allele origin: germline. Not counted in ClinVar's aggregate classification.
ClinVar note: Reason: Outlier claim with insufficient supporting evidence

Literature cited by the submitters: PubMed 37895203 (cited by 3 submitters).

NM_000092.5(COL4A4):c.871-6T>C

Gene: COL4A4 (collagen type IV alpha 4 chain; minus strand). Cytogenetic location: 2q36.3.
Variant type: single nucleotide variant.
Coding change: c.871-6T>C on transcript NM_000092.5 (MANE Select); 6 bases into the intron before coding-DNA position 871, T replaced by C.
Molecular consequence: intron variant.
Genome position (GRCh38, 1-based): chr2:227,102,854, A>G on the plus strand (T>C on the coding strand, the complement: COL4A4 is on the minus strand). VCF-style: chr2-227102854-A-G. GRCh37 (hg19) VCF-style: chr2-227967570-A-G.
Other names: c.871-6T>C (NM_000092.4).
Identifiers: ClinVar variation 1002812 (VCV001002812.9), dbSNP rs749753913, ClinGen allele CA2145374.